The following is an entry in ClinVar:

NM_014845.6(FIG4):c.422G>A (p.Arg141Gln)

Gene: FIG4 (FIG4 phosphoinositide 5-phosphatase; plus strand). Cytogenetic location: 6q21.
Variant type: single nucleotide variant.
Coding change: c.422G>A on transcript NM_014845.6 (MANE Select); coding-DNA position 422, G replaced by A.
Protein change: p.Arg141Gln; replaces arginine 141 with glutamine.
Molecular consequence: missense variant.
Genome position (GRCh38, 1-based): chr6:109,727,241, G>A. VCF-style: chr6-109727241-G-A. GRCh37 (hg19) VCF-style: chr6-110048444-G-A.
Other names: short protein forms R141Q.
Identifiers: ClinVar variation 998933 (VCV000998933.6), dbSNP rs762663195, ClinGen allele CA3955763.

ClinVar aggregate classification (germline): Uncertain significance. Review status: criteria provided, multiple submitters, no conflicts (2 of 4 stars). 3 submissions from 3 submitters: Uncertain significance (2). 1 of the submissions does not count toward it. Last evaluated 2022-10-17.

Conditions:
Amyotrophic lateral sclerosis (ALS). Also called: Lou Gehrig disease; Charcot disease. Identifiers: Orphanet 803, MedGen C0002736, MONDO:0004976, HP:0007354.
Charcot-Marie-Tooth disease type 4. Also called: Charcot-Marie-Tooth disease, type IV; Charcot-Marie-Tooth, Type 4. Identifiers: Orphanet 64749, MedGen C4082197, MONDO:0018995.
FIG4-related disorder. Also called: FIG4-related disorders; FIG4-related condition.

Allele frequency attached by ClinVar (database versions not stated): gnomAD exomes 0.00002; gnomAD 0.00004; TOPMed 0.00003; ExAC 0.00004.

Submissions (3):

Labcorp Genetics (formerly Invitae), Labcorp
Classification: Uncertain significance for Charcot-Marie-Tooth disease type 4. Last evaluated: 2022-10-17. Review status: criteria provided, single submitter. Criteria: Invitae Variant Classification Sherloc (09022015). Collection method: clinical testing. Allele origin: germline.
Comment: This sequence change replaces arginine, which is basic and polar, with glutamine, which is neutral and polar, at codon 141 of the FIG4 protein (p.Arg141Gln). This variant is present in population databases (rs762663195, gnomAD 0.004%). This variant has not been reported in the literature in individuals affected with FIG4-related conditions. ClinVar contains an entry for this variant (Variation ID: 998933). Algorithms developed to predict the effect of missense changes on protein structure and function are either unavailable or do not agree on the potential impact of this missense change (SIFT: "Tolerated"; PolyPhen-2: "Probably Damaging"; Align-GVGD: "Class C0"). Algorithms developed to predict the effect of sequence changes on RNA splicing suggest that this variant may disrupt the consensus splice site. In summary, the available evidence is currently insufficient to determine the role of this variant in disease. Therefore, it has been classified as a Variant of Uncertain Significance.

Dept. of Medical Genetics, Telemark Hospital Trust, Telemark Hospital Trust
Classification: Uncertain significance for Amyotrophic Lateral Sclerosis. Last evaluated: 2022-01-01. Review status: criteria provided, single submitter. Criteria: ACMG Guidelines, 2015. Collection method: research. Allele origin: germline. Affected: yes.

PreventionGenetics, part of Exact Sciences
Classification: Uncertain significance for FIG4-related condition. Last evaluated: 2024-09-24. Review status: no assertion criteria provided. Collection method: clinical testing. Allele origin: germline. Not counted in ClinVar's aggregate classification.
Comment: The FIG4 c.422G>A variant is predicted to result in the amino acid substitution p.Arg141Gln. To our knowledge, this variant has not been reported in the literature. This variant is reported in 0.0044% of alleles in individuals of European (Non-Finnish) descent in gnomAD. At this time, the clinical significance of this variant is uncertain due to the absence of conclusive functional and genetic evidence.